The following is an entry in ClinVar:

ClinVar aggregate classification (germline): Pathogenic (1 of 4 stars; one submission).

Submission:

GeneDx
Classification: Pathogenic. Last evaluated: 2015-06-23. Review status: criteria provided, single submitter. Criteria: GeneDx Variant Classification (06012015). Collection method: clinical testing. Allele origin: germline. Affected: yes.
Comment: Although the c.1361_1371del11 variant in the FBN1 gene has not been reported to our knowledge, thisdeletion causes a shift in reading frame starting at codon Glutamine 454, changing it to a Leucine, andcreating a premature stop codon at position 18 of the new reading frame, denoted p.Gln454LeufsX18. Thisdeletion is expected to result in either an abnormal, truncated protein product or loss of protein from thisallele through nonsense-mediated mRNA decay. Other frameshift variants in the FBN1 gene have beenreported in HGMD in association with FBN1-related disorders (Stenson P et al., 2014). Furthermore, thec.1361_1371del11 deletion was not observed in approximately 6500 individuals of European and AfricanAmerican ancestry in the NHLBI Exome Sequencing Project, indicating it is not a common benign variantin these populations. In summary, c.1361_1371del11 in the FBN1 gene is interpreted as a pathogenic variant.

NM_000138.5(FBN1):c.1361_1371del (p.Gln454fs)

Gene: FBN1 (fibrillin 1; minus strand). Cytogenetic location: 15q21.1.
Variant type: Deletion.
Coding change: c.1361_1371del on transcript NM_000138.5 (MANE Select); coding-DNA positions 1361 to 1371, 11 bases deleted (AGTTGGTCCGC).
Protein change: p.Gln454fs; shifts the reading frame from glutamine 454.
Molecular consequence: frameshift variant.
Genome position (GRCh38, 1-based): chr15:48,515,484-48,515,494, GCGGACCAACT deleted on the plus strand (AGTTGGTCCGC on the coding strand, the reverse complement: FBN1 is on the minus strand); deleting any 11 consecutive bases within chr15:48,515,484-48,515,495 gives the same sequence; the c. name uses the placement nearest the transcript's 3' end. VCF-style (leftmost placement, unchanged base first): chr15-48515483-AGCGGACCAACT-A. GRCh37 (hg19) VCF-style: chr15-48807680-AGCGGACCAACT-A.
Other names: c.1361_1371delAGTTGGTCCGC (NM_000138.4); short protein forms Q454fs.
Identifiers: ClinVar variation 419210 (VCV000419210.2), dbSNP rs1064793723, ClinGen allele CA16619974.